The following is an entry in ClinVar:

ClinVar aggregate classification (germline): Uncertain significance (1 of 4 stars; one submission).

gnomAD v4.1: 153 of 1,550,818 alleles (0.0099%); highest among the groups gnomAD compares: South Asian, 0.013%; no homozygotes.

Submission:

GeneDx
Classification: Uncertain significance. Last evaluated: 2023-08-16. Review status: criteria provided, single submitter. Criteria: GeneDx Variant Classification Process June 2021. Collection method: clinical testing. Allele origin: germline. Affected: yes.
Comment: In silico analysis supports that this missense variant has a deleterious effect on protein structure/function; Has not been previously published as pathogenic or benign to our knowledge

NM_001367479.1(DNAH14):c.12613C>T (p.His4205Tyr)

Gene: DNAH14 (dynein axonemal heavy chain 14; plus strand). Cytogenetic location: 1q42.12.
Variant type: single nucleotide variant.
Coding change: c.12613C>T on transcript NM_001367479.1 (MANE Select); coding-DNA position 12613, C replaced by T.
Protein change: p.His4205Tyr; replaces histidine 4205 with tyrosine.
Molecular consequence: missense variant.
Genome position (GRCh38, 1-based): chr1:225,377,333, C>T. VCF-style: chr1-225377333-C-T. GRCh37 (hg19) VCF-style: chr1-225565035-C-T.
Other names: NM_001373.1:c.12307C>T; short protein forms H4205Y.
Identifiers: ClinVar variation 3342925 (VCV003342925.1).